The following is an entry in ClinVar:

ClinVar aggregate classification (germline): Likely benign (0 of 4 stars; one submission).

Conditions:
PHIP-related disorder. Also called: PHIP-related condition; PHIP-related disorders.

Submission:

PreventionGenetics, part of Exact Sciences
Classification: Likely benign for PHIP-related condition. Last evaluated: 2021-10-16. Review status: no assertion criteria provided. Collection method: clinical testing. Allele origin: germline.
Comment: This variant is classified as likely benign based on ACMG/AMP sequence variant interpretation guidelines (Richards et al. 2015 PMID: 25741868, with internal and published modifications).

NM_017934.7(PHIP):c.3656+1233_3656+1239del

Genes: IRAK1BP1 (interleukin 1 receptor associated kinase 1 binding protein 1; plus strand), PHIP (PHIP subunit of CUL4-Ring ligase complex; minus strand). Cytogenetic location: 6q14.1.
Variant type: Deletion.
Coding change: c.3656+1233_3656+1239del on transcript NM_017934.7 (MANE Select); bases 1233 to 1239 of the intron after coding-DNA position 3656, 7 bases deleted (AAAAAAA; older notation c.3656+1233_3656+1239delAAAAAAA).
Molecular consequence: intron variant.
Genome position (GRCh38, 1-based): chr6:78,960,451-78,960,457, TTTTTTT deleted on the plus strand (AAAAAAA on the coding strand, the reverse complement: PHIP is on the minus strand); deleting any 7 consecutive bases within chr6:78,960,451-78,960,466 gives the same sequence; the c. name uses the placement nearest the transcript's 3' end. VCF-style (leftmost placement, unchanged base first): chr6-78960450-CTTTTTTT-C. GRCh37 (hg19) VCF-style: chr6-79670167-CTTTTTTT-C.
Identifiers: ClinVar variation 3355104 (VCV003355104.1).